The following is an entry in ClinVar:

NM_002471.4(MYH6):c.3551C>G (p.Thr1184Arg)

Gene: MYH6 (myosin heavy chain 6; minus strand). Cytogenetic location: 14q11.2.
Variant type: single nucleotide variant.
Coding change: c.3551C>G on transcript NM_002471.4 (MANE Select); coding-DNA position 3551, C replaced by G.
Protein change: p.Thr1184Arg; replaces threonine 1184 with arginine.
Molecular consequence: missense variant.
Genome position (GRCh38, 1-based): chr14:23,390,238, G>C on the plus strand (C>G on the coding strand, the complement: MYH6 is on the minus strand). VCF-style: chr14-23390238-G-C. GRCh37 (hg19) VCF-style: chr14-23859447-G-C.
Other names: short protein forms T1184R.
Identifiers: ClinVar variation 3343323 (VCV003343323.3).

ClinVar aggregate classification (germline): Uncertain significance. Review status: criteria provided, multiple submitters, no conflicts (2 of 4 stars). 2 submissions from 2 submitters: Uncertain significance (2). Last evaluated 2024-04-06.

Conditions:
Hypertrophic cardiomyopathy 14. Identifiers: MedGen C2750467, MONDO:0013197, OMIM 613251.

Submissions (2):

Labcorp Genetics (formerly Invitae), Labcorp
Classification: Uncertain significance for Hypertrophic cardiomyopathy 14. Last evaluated: 2024-04-06. Review status: criteria provided, single submitter. Criteria: Invitae Variant Classification Sherloc (09022015). Collection method: clinical testing. Allele origin: germline.
Comment: This sequence change replaces threonine, which is neutral and polar, with arginine, which is basic and polar, at codon 1184 of the MYH6 protein (p.Thr1184Arg). This variant is not present in population databases (gnomAD no frequency). This variant has not been reported in the literature in individuals affected with MYH6-related conditions. Advanced modeling of protein sequence and biophysical properties (such as structural, functional, and spatial information, amino acid conservation, physicochemical variation, residue mobility, and thermodynamic stability) performed at Invitae indicates that this missense variant is not expected to disrupt MYH6 protein function with a negative predictive value of 80%. In summary, the available evidence is currently insufficient to determine the role of this variant in disease. Therefore, it has been classified as a Variant of Uncertain Significance.

GeneDx
Classification: Uncertain significance. Last evaluated: 2023-05-09. Review status: criteria provided, single submitter. Criteria: GeneDx Variant Classification Process June 2021. Collection method: clinical testing. Allele origin: germline. Affected: yes.
Comment: Not observed at significant frequency in large population cohorts (gnomAD); In silico analysis supports that this missense variant has a deleterious effect on protein structure/function; Has not been previously published as pathogenic or benign to our knowledge